The following is an entry in ClinVar:

NM_001267550.2(TTN):c.5597G>A (p.Gly1866Asp)

Gene: TTN (titin; minus strand). Cytogenetic location: 2q31.2.
Variant type: single nucleotide variant.
Coding change: c.5597G>A on transcript NM_001267550.2 (MANE Select); coding-DNA position 5597, G replaced by A.
Protein change: p.Gly1866Asp; replaces glycine 1866 with aspartic acid.
Molecular consequence: missense variant.
Genome position (GRCh38, 1-based): chr2:178,776,267, C>T on the plus strand (G>A on the coding strand, the complement: TTN is on the minus strand). VCF-style: chr2-178776267-C-T. GRCh37 (hg19) VCF-style: chr2-179640994-C-T.
Other names: c.5597G>A, p.Gly1866Asp (NM_001256850.1, NM_133378.4, NM_133379.5); c.5459G>A, p.Gly1820Asp (NM_003319.4, NM_133432.3, NM_133437.4); short protein forms G1820D, G1866D.
Identifiers: ClinVar variation 2651722 (VCV002651722.25), dbSNP rs2092214175, ClinGen allele CA349449972.

ClinVar aggregate classification (germline): Uncertain significance. Review status: criteria provided, multiple submitters, no conflicts (2 of 4 stars). 2 submissions from 2 submitters: Uncertain significance (2). Last evaluated 2023-03-01.

Allele frequency attached by ClinVar (database versions not stated): gnomAD exomes 0.00001.
gnomAD v4.1: 12 of 1,614,082 alleles (0.00074%); highest among the groups gnomAD compares: Non-Finnish European, 0.001%; no homozygotes.

Submissions (2):

CeGaT Center for Human Genetics Tuebingen
Classification: Uncertain significance. Last evaluated: 2023-03-01. Review status: criteria provided, single submitter. Criteria: CeGaT Center For Human Genetics Tuebingen Variant Classification Criteria Version 2. Collection method: clinical testing. Allele origin: germline. Affected: yes. Observed: 1 variant allele.
Comment: TTN: PM2, PP3

Blueprint Genetics
Classification: Uncertain significance. Last evaluated: 2018-12-18. Review status: criteria provided, single submitter. Criteria: ACMG Guidelines, 2015. Collection method: clinical testing. Allele origin: germline.